The following is an entry in ClinVar:

NM_001040108.2(MLH3):c.2578A>T (p.Asn860Tyr)

Gene: MLH3 (mutL homolog 3; minus strand). Cytogenetic location: 14q24.3.
Variant type: single nucleotide variant.
Coding change: c.2578A>T on transcript NM_001040108.2 (MANE Select); coding-DNA position 2578, A replaced by T.
Protein change: p.Asn860Tyr; replaces asparagine 860 with tyrosine.
Molecular consequence: missense variant.
Genome position (GRCh38, 1-based): chr14:75,047,078, T>A on the plus strand (A>T on the coding strand, the complement: MLH3 is on the minus strand). VCF-style: chr14-75047078-T-A. GRCh37 (hg19) VCF-style: chr14-75513781-T-A.
Other names: c.2578A>T, p.Asn860Tyr (NM_014381.3); short protein forms N860Y.
Identifiers: ClinVar variation 4055465 (VCV004055465.2).
Genomic context (GRCh38, chr14:75,047,078, plus strand): 5'-GTCTGGATAATTTAGAGGCTAGTGATTCAGATGACTTCTCAAGGTCCAAAGGTTTTCTAT[T>A]AAAGAGAGATAACTCCTTCAGGGTCATAGGACTTTCTCTCAAACTAGGCATCTGTTGTTC-3'
Protein context (NP_001035197.1, residues 850-870): PMTLKELSLF[Asn860Tyr]RKPLDLEKSS

ClinVar aggregate classification (germline): Uncertain significance. Review status: criteria provided, multiple submitters, no conflicts (2 of 4 stars). 2 submissions from 2 submitters: Uncertain significance (2). Last evaluated 2025-03-27.

gnomAD v4.1: 1 of 1,614,134 alleles (0.000062%); highest among the groups gnomAD compares: Admixed American, 0.0017%; no homozygotes.

Submissions (2):

Ambry Genetics
Classification: Uncertain significance. Last evaluated: 2025-03-27. Review status: criteria provided, single submitter. Criteria: Ambry Variant Classification Scheme 2023. Collection method: clinical testing. Allele origin: germline.
Comment: The p.N860Y variant (also known as c.2578A>T), located in coding exon 1 of the MLH3 gene, results from an A to T substitution at nucleotide position 2578. The asparagine at codon 860 is replaced by tyrosine, an amino acid with dissimilar properties. This amino acid position is conserved. In addition, this alteration is predicted to be tolerated by in silico analysis. Based on the available evidence, the clinical significance of this variant remains unclear.

Blueprint Genetics
Classification: Uncertain significance. Last evaluated: 2022-10-27. Review status: criteria provided, single submitter. Criteria: ACMG Guidelines, 2015. Collection method: clinical testing. Allele origin: germline.